The following is an entry in ClinVar:

ClinVar aggregate classification (germline): Conflicting classifications of pathogenicity. Review status: criteria provided, conflicting classifications (1 of 4 stars). 4 submissions from 4 submitters: Uncertain significance (1); Benign (2); Likely benign (1). Last evaluated 2026-02-01.

Conditions:
Perlman syndrome (PRLMNS). Identifiers: Orphanet 2849, MedGen C0796113, MONDO:0009965, OMIM 267000.

Allele frequency attached by ClinVar (database versions not stated): gnomAD exomes 0.00109 and 0.00302; ExAC 0.00372; gnomAD 0.01092; TOPMed 0.01122; ESP Exome Variant Server 0.01125; 1000 Genomes Project 0.01158; 1000 Genomes Project 30x 0.01327.
gnomAD v4.1: 3,212 of 1,569,062 alleles (0.2%); highest among the groups gnomAD compares: African/African-American, 3.6%; 46 homozygotes.

Submissions (6):

Labcorp Genetics (formerly Invitae), Labcorp
Classification: Benign for Perlman syndrome. Last evaluated: 2026-02-01. Review status: criteria provided, single submitter. Criteria: Invitae Variant Classification Sherloc (09022015). Collection method: clinical testing. Allele origin: germline.

Institute for Clinical Genetics, University Hospital TU Dresden, University Hospital TU Dresden
Classification: Uncertain significance. Last evaluated: 2021-11-03. Review status: criteria provided, single submitter. Criteria: ACMG Guidelines, 2015. Collection method: clinical testing. Allele origin: germline.

GeneDx
Classification: Likely benign. Last evaluated: 2019-05-25. Review status: criteria provided, single submitter. Criteria: GeneDx Variant Classification Process June 2021. Collection method: clinical testing. Allele origin: germline. Affected: yes.

Illumina Laboratory Services, Illumina
Classification: Benign for Perlman syndrome. Last evaluated: 2018-01-13. Review status: criteria provided, single submitter. Criteria: ICSL Variant Classification Criteria 13 December 2019. Collection method: clinical testing. Allele origin: germline.
Comment: This variant was observed in the ICSL laboratory as part of a predisposition screen in an ostensibly healthy population. It had not been previously curated by ICSL or reported in the Human Gene Mutation Database (HGMD: prior to June 1st, 2018), and was therefore a candidate for classification through an automated scoring system. Utilizing variant allele frequency, disease prevalence and penetrance estimates, and inheritance mode, an automated score was calculated to assess if this variant is too frequent to cause the disease. Based on the score and internal cut-off values, a variant classified as benign is not then subjected to further curation. The score for this variant resulted in a classification of benign for this disease.

Dr. Peter K. Rogan Lab, Western University
No classification provided (evidence only). Condition: Cervical cancer. Review status: no classification provided. Collection method: in vitro. Allele origin: not applicable. Functional consequence: retained intron. Not counted in ClinVar's aggregate classification.

Dr. Peter K. Rogan Lab, Western University
No classification provided (evidence only). Condition: Sarcoma. Review status: no classification provided. Collection method: in vitro. Allele origin: not applicable. Functional consequence: retained intron. Not counted in ClinVar's aggregate classification.

NM_152383.5(DIS3L2):c.265-15C>A

Gene: DIS3L2 (DIS3 like 3'-5' exoribonuclease 2; plus strand). Cytogenetic location: 2q37.1.
Variant type: single nucleotide variant.
Coding change: c.265-15C>A on transcript NM_152383.5 (MANE Select); 15 bases into the intron before coding-DNA position 265, C replaced by A.
Molecular consequence: intron variant.
Genome position (GRCh38, 1-based): chr2:232,029,964, C>A. VCF-style: chr2-232029964-C-A. GRCh37 (hg19) VCF-style: chr2-232894674-C-A.
Other names: c.265-15C>A (NM_001257281.2, NM_001257282.2).
Identifiers: ClinVar variation 334930 (VCV000334930.19), dbSNP rs114804860, ClinGen allele CA2163778.
Genomic context (GRCh38, chr2:232,029,964, plus strand): 5'-ATGAAAGCAGGCAATCTGTTTTTTGCTTTATGTGTTTTTAAGCTCACTATTGTTTTATTT[C>A]TTTTTCCAACCTAGGATGGTGATCGAGACATTTTTATTGATGGGGTTGTTGCTCGTAATA-3'